The following is an entry in ClinVar:

NM_001379451.1(BCORL1):c.1289T>C (p.Met430Thr)

Gene: BCORL1 (BCL6 corepressor like 1; plus strand). Cytogenetic location: Xq26.1.
Variant type: single nucleotide variant.
Coding change: c.1289T>C on transcript NM_001379451.1 (MANE Select); coding-DNA position 1289, T replaced by C.
Protein change: p.Met430Thr; replaces methionine 430 with threonine.
Molecular consequence: missense variant.
Genome position (GRCh38, 1-based): chrX:130,014,061, T>C. VCF-style: chrX-130014061-T-C. GRCh37 (hg19) VCF-style: chrX-129148037-T-C.
Other names: c.1289T>C, p.Met430Thr (NM_001184772.3, NM_001379450.1, NM_001441326.1 and 7 more transcripts); short protein forms M430T.
Identifiers: ClinVar variation 4848766 (VCV004848766.1).

ClinVar aggregate classification (germline): Uncertain significance (1 of 4 stars; one submission).

Submission:

Women's Health and Genetics/Laboratory Corporation of America, LabCorp
Classification: Uncertain significance. Last evaluated: 2026-04-07. Review status: criteria provided, single submitter. Criteria: LabCorp Variant Classification Summary - May 2015. Collection method: clinical testing. Allele origin: germline.
Comment: Variant summary: BCORL1 c.1289T>C (p.Met430Thr) results in a non-conservative amino acid change in the encoded protein sequence. Algorithms developed to predict the effect of missense changes on protein structure and function are either unavailable or do not agree on the potential impact of this missense change. The variant was absent in 181536 control chromosomes. The available data on variant occurrences in the general population are insufficient to allow any conclusion about variant significance. To our knowledge, no occurrence of c.1289T>C in individuals affected with BCORL1-related conditions and no experimental evidence demonstrating its impact on protein function have been reported. No submitters have cited clinical-significance assessments for this variant to ClinVar. Based on the evidence outlined above, the variant was classified as uncertain significance.